The following is an entry in ClinVar:

NM_002907.4(RECQL):c.312G>T (p.Met104Ile)

Gene: RECQL (RecQ like helicase; minus strand). Cytogenetic location: 12p12.1.
Variant type: single nucleotide variant.
Coding change: c.312G>T on transcript NM_002907.4 (MANE Select); coding-DNA position 312, G replaced by T.
Protein change: p.Met104Ile; replaces methionine 104 with isoleucine.
Molecular consequence: missense variant.
Genome position (GRCh38, 1-based): chr12:21,490,281, C>A on the plus strand (G>T on the coding strand, the complement: RECQL is on the minus strand). VCF-style: chr12-21490281-C-A. GRCh37 (hg19) VCF-style: chr12-21643215-C-A.
Other names: c.312G>T, p.Met104Ile (NM_032941.3); short protein forms M104I.
Identifiers: ClinVar variation 4576936 (VCV004576936.1).

ClinVar aggregate classification (germline): Uncertain significance (1 of 4 stars; one submission).

Submission:

Ambry Genetics
Classification: Uncertain significance. Last evaluated: 2025-09-19. Review status: criteria provided, single submitter. Criteria: Ambry Variant Classification Scheme 2023. Collection method: clinical testing. Allele origin: germline.
Comment: The p.M104I variant (also known as c.312G>T), located in coding exon 3 of the RECQL gene, results from a G to T substitution at nucleotide position 312. The methionine at codon 104 is replaced by isoleucine, an amino acid with highly similar properties. This amino acid position is conserved. In addition, this alteration is predicted to be tolerated by in silico analysis. Based on the available evidence, the clinical significance of this variant remains unclear.